The following is an entry in ClinVar:

ClinVar aggregate classification (germline): Uncertain significance (1 of 4 stars; one submission).

Conditions:
Hereditary cancer-predisposing syndrome. Also called: Neoplastic Syndromes, Hereditary; Tumor predisposition; Hereditary Cancer Syndrome; Hereditary neoplastic syndrome. Identifiers: Orphanet 140162, MedGen C0027672, MeSH D009386, MONDO:0015356.

Submission:

Ambry Genetics
Classification: Uncertain significance for Hereditary cancer-predisposing syndrome. Last evaluated: 2025-08-09. Review status: criteria provided, single submitter. Criteria: Ambry Variant Classification Scheme 2023. Collection method: clinical testing. Allele origin: germline.
Comment: The p.E1072K variant (also known as c.3214G>A), located in coding exon 21 of the ATM gene, results from a G to A substitution at nucleotide position 3214. The glutamic acid at codon 1072 is replaced by lysine, an amino acid with similar properties. This amino acid position is conserved. In addition, this alteration is predicted to be tolerated by in silico analysis. Based on the available evidence, the clinical significance of this variant remains unclear.

NM_000051.4(ATM):c.3214G>A (p.Glu1072Lys)

Gene: ATM (ATM serine/threonine kinase; plus strand). Cytogenetic location: 11q22.3.
Variant type: single nucleotide variant.
Coding change: c.3214G>A on transcript NM_000051.4 (MANE Select); coding-DNA position 3214, G replaced by A.
Protein change: p.Glu1072Lys; replaces glutamic acid 1072 with lysine.
Molecular consequence: missense variant.
Genome position (GRCh38, 1-based): chr11:108,272,782, G>A. VCF-style: chr11-108272782-G-A. GRCh37 (hg19) VCF-style: chr11-108143509-G-A.
Other names: c.3214G>A, p.Glu1072Lys (NM_001351834.2); short protein forms E1072K.
Identifiers: ClinVar variation 4169979 (VCV004169979.1).